The following is an entry in ClinVar:

ClinVar aggregate classification (germline): Uncertain significance (1 of 4 stars; one submission).

Submission:

Labcorp Genetics (formerly Invitae), Labcorp
Classification: Uncertain significance. Last evaluated: 2023-12-07. Review status: criteria provided, single submitter. Criteria: Invitae Variant Classification Sherloc (09022015). Collection method: clinical testing. Allele origin: germline.
Comment: This sequence change falls in intron 27 of the ZNF335 gene. It does not directly change the encoded amino acid sequence of the ZNF335 protein. This variant is not present in population databases (gnomAD no frequency). This variant has not been reported in the literature in individuals affected with ZNF335-related conditions. ClinVar contains an entry for this variant (Variation ID: 2033668). Algorithms developed to predict the effect of sequence changes on RNA splicing suggest that this variant may create or strengthen a splice site. In summary, the available evidence is currently insufficient to determine the role of this variant in disease. Therefore, it has been classified as a Variant of Uncertain Significance.

NM_022095.4(ZNF335):c.3902-5G>A

Gene: ZNF335 (zinc finger protein 335; minus strand). Cytogenetic location: 20q13.12.
Variant type: single nucleotide variant.
Coding change: c.3902-5G>A on transcript NM_022095.4 (MANE Select); 5 bases into the intron before coding-DNA position 3902, G replaced by A.
Molecular consequence: intron variant.
Genome position (GRCh38, 1-based): chr20:45,949,085, C>T on the plus strand (G>A on the coding strand, the complement: ZNF335 is on the minus strand). VCF-style: chr20-45949085-C-T. GRCh37 (hg19) VCF-style: chr20-44577724-C-T.
Identifiers: ClinVar variation 2033668 (VCV002033668.4), dbSNP rs2515520900, ClinGen allele CA2580098222.
Genomic context (GRCh38, chr20:45,949,085, plus strand): 5'-TGTCTCGTCTGTACCAAACAGGCCCTGGGCTTGGGCCATGGCAGCATCAGCCACTGCTGC[C>T]AGGGGAGGGGAAAGTATGGTGAGCTGGAGGCTCAAGAGCTGGGTCCATACCCAGCCCCAT-3'